The following is an entry in ClinVar:

NM_000455.5(STK11):c.275A>T (p.Glu92Val)

Gene: STK11 (serine/threonine kinase 11; plus strand). Cytogenetic location: 19p13.3.
Variant type: single nucleotide variant.
Coding change: c.275A>T on transcript NM_000455.5 (MANE Select); coding-DNA position 275, A replaced by T.
Protein change: p.Glu92Val; replaces glutamic acid 92 with valine.
Molecular consequence: missense variant.
Genome position (GRCh38, 1-based): chr19:1,207,188, A>T. VCF-style: chr19-1207188-A-T. GRCh37 (hg19) VCF-style: chr19-1207187-A-T.
Other names: c.275A>T, p.Glu92Val (NM_001407255.1); short protein forms E92V.
Identifiers: ClinVar variation 2131868 (VCV002131868.4), dbSNP rs730881989, ClinGen allele CA402944602.
Genomic context (GRCh38, chr19:1,207,188, plus strand): 5'-TGTGCAGGAGGGCCGTCAAGATCCTCAAGAAGAAGAAGTTGCGAAGGATCCCCAACGGGG[A>T]GGCCAACGTGAAGAAGTAAGTATGGCTTGCTGGGGTCGGGGCCGGGCCGGGCCAGTCACG-3'
Protein context (NP_000446.1, residues 82-102): KKKLRRIPNG[Glu92Val]ANVKKEIQLL

ClinVar aggregate classification (germline): Uncertain significance (1 of 4 stars; one submission).

Conditions:
Peutz-Jeghers syndrome (PJS). Also called: Peutz-Jeghers polyposis; Periorificial lentiginosis syndrome; POLYPOSIS, HAMARTOMATOUS INTESTINAL; POLYPS-AND-SPOTS SYNDROME. Identifiers: Orphanet 2869, MedGen C0031269, MeSH D010580, MONDO:0008280, OMIM 175200.

Submission:

Labcorp Genetics (formerly Invitae), Labcorp
Classification: Uncertain significance for Peutz-Jeghers syndrome. Last evaluated: 2022-04-29. Review status: criteria provided, single submitter. Criteria: Invitae Variant Classification Sherloc (09022015). Collection method: clinical testing. Allele origin: germline.
Comment: In summary, the available evidence is currently insufficient to determine the role of this variant in disease. Therefore, it has been classified as a Variant of Uncertain Significance. Algorithms developed to predict the effect of missense changes on protein structure and function (SIFT, PolyPhen-2, Align-GVGD) all suggest that this variant is likely to be tolerated. This variant has not been reported in the literature in individuals affected with STK11-related conditions. This variant is not present in population databases (gnomAD no frequency). This sequence change replaces glutamic acid, which is acidic and polar, with valine, which is neutral and non-polar, at codon 92 of the STK11 protein (p.Glu92Val).